The following is an entry in ClinVar:

ClinVar aggregate classification (germline): Uncertain significance. Review status: criteria provided, multiple submitters, no conflicts (2 of 4 stars). 4 submissions from 4 submitters: Uncertain significance (3). 1 of the submissions does not count toward it. Last evaluated 2025-11-25.

Conditions:
IARS2-related disorder. Also called: IARS2-related condition.

Allele frequency attached by ClinVar (database versions not stated): ExAC 0.00017; 1000 Genomes Project 0.00080; TOPMed 0.00068; ESP Exome Variant Server 0.00077; gnomAD 0.00056 and 0.00057; 1000 Genomes Project 30x 0.00078.

Submissions (4):

GeneDx
Classification: Uncertain significance. Last evaluated: 2025-11-25. Review status: criteria provided, single submitter. Criteria: GeneDx Variant Classification Process June 2021. Collection method: clinical testing. Allele origin: germline.
Comment: In silico analysis supports that this missense variant has a deleterious effect on protein structure/function; Has not been previously published as pathogenic or benign to our knowledge

Mayo Clinic Laboratories, Mayo Clinic
Classification: Uncertain significance. Last evaluated: 2023-11-13. Review status: criteria provided, single submitter. Criteria: ACMG Guidelines, 2015. Collection method: clinical testing. Allele origin: germline. Observed: 1 variant allele.
Comment: BS1, PP3

Labcorp Genetics (formerly Invitae), Labcorp
Classification: Uncertain significance. Last evaluated: 2022-08-08. Review status: criteria provided, single submitter. Criteria: Invitae Variant Classification Sherloc (09022015). Collection method: clinical testing. Allele origin: germline.
Comment: This sequence change replaces isoleucine, which is neutral and non-polar, with threonine, which is neutral and polar, at codon 160 of the IARS2 protein (p.Ile160Thr). This variant is present in population databases (rs149036509, gnomAD 0.2%). This variant has not been reported in the literature in individuals affected with IARS2-related conditions. ClinVar contains an entry for this variant (Variation ID: 1434474). Algorithms developed to predict the effect of missense changes on protein structure and function (SIFT, PolyPhen-2, Align-GVGD) all suggest that this variant is likely to be disruptive. In summary, the available evidence is currently insufficient to determine the role of this variant in disease. Therefore, it has been classified as a Variant of Uncertain Significance.

PreventionGenetics, part of Exact Sciences
Classification: Likely benign for IARS2-related condition. Last evaluated: 2023-10-17. Review status: no assertion criteria provided. Collection method: clinical testing. Allele origin: germline. Not counted in ClinVar's aggregate classification.
Comment: This variant is classified as likely benign based on ACMG/AMP sequence variant interpretation guidelines (Richards et al. 2015 PMID: 25741868, with internal and published modifications).

NM_018060.4(IARS2):c.479T>C (p.Ile160Thr)

Gene: IARS2 (isoleucyl-tRNA synthetase 2, mitochondrial; plus strand). Cytogenetic location: 1q41.
Variant type: single nucleotide variant.
Coding change: c.479T>C on transcript NM_018060.4 (MANE Select); coding-DNA position 479, T replaced by C.
Protein change: p.Ile160Thr; replaces isoleucine 160 with threonine.
Molecular consequence: missense variant.
Genome position (GRCh38, 1-based): chr1:220,100,578, T>C. VCF-style: chr1-220100578-T-C. GRCh37 (hg19) VCF-style: chr1-220273920-T-C.
Other names: p.Ile160Thr; c.479T>C (NM_018060.3); short protein forms I160T.
Identifiers: ClinVar variation 1434474 (VCV001434474.9), dbSNP rs149036509, ClinGen allele CA1401116.